The following is an entry in ClinVar:

NM_001367873.1(SOX6):c.2231C>T (p.Pro744Leu)

Gene: SOX6 (SRY-box transcription factor 6; minus strand). Cytogenetic location: 11p15.2.
Variant type: single nucleotide variant.
Coding change: c.2231C>T on transcript NM_001367873.1 (MANE Select); coding-DNA position 2231, C replaced by T.
Protein change: p.Pro744Leu; replaces proline 744 with leucine.
Molecular consequence: missense variant.
Genome position (GRCh38, 1-based): chr11:15,973,065, G>A on the plus strand (C>T on the coding strand, the complement: SOX6 is on the minus strand). VCF-style: chr11-15973065-G-A. GRCh37 (hg19) VCF-style: chr11-15994611-G-A.
Other names: c.2150C>T, p.Pro717Leu (NM_001145811.2, NM_017508.3); c.2231C>T, p.Pro744Leu (NM_001145819.2); c.2108C>T, p.Pro703Leu (NM_001367872.1); c.2171C>T, p.Pro724Leu (NM_033326.3); short protein forms P703L, P717L, P724L, P744L.
Identifiers: ClinVar variation 4072667 (VCV004072667.1).

ClinVar aggregate classification (germline): Uncertain significance (1 of 4 stars; one submission).

Submission:

GeneDx
Classification: Uncertain significance. Last evaluated: 2025-02-02. Review status: criteria provided, single submitter. Criteria: GeneDx Variant Classification Process June 2021. Collection method: clinical testing. Allele origin: germline. Affected: yes.
Comment: Not observed at significant frequency in large population cohorts (gnomAD); In silico analysis supports that this missense variant has a deleterious effect on protein structure/function; Has not been previously published as pathogenic or benign to our knowledge